The following is an entry in ClinVar:

ClinVar aggregate classification (germline): Uncertain significance (1 of 4 stars; one submission).

Submission:

GeneDx
Classification: Uncertain significance. Last evaluated: 2018-12-13. Review status: criteria provided, single submitter. Criteria: GeneDx Variant Classification Process June 2021. Collection method: clinical testing. Allele origin: germline. Affected: yes.
Comment: Not observed in large population cohorts (Lek et al., 2016); In silico analysis, which includes protein predictors and evolutionary conservation, supports that this variant does not alter protein structure/function; Has not been previously published as pathogenic or benign to our knowledge

NM_031407.7(HUWE1):c.3931T>A (p.Ser1311Thr)

Genes: HUWE1 (HECT, UBA and WWE domain containing E3 ubiquitin protein ligase 1; minus strand), LOC126863263 (BRD4-independent group 4 enhancer GRCh37_chrX:53619238-53620437; plus strand). Cytogenetic location: Xp11.22.
Variant type: single nucleotide variant.
Coding change: c.3931T>A on transcript NM_031407.7 (MANE Select); coding-DNA position 3931, T replaced by A.
Protein change: p.Ser1311Thr; replaces serine 1311 with threonine.
Molecular consequence: missense variant.
Genome position (GRCh38, 1-based): chrX:53,592,439, A>T on the plus strand (T>A on the coding strand, the complement: HUWE1 is on the minus strand). VCF-style: chrX-53592439-A-T. GRCh37 (hg19) VCF-style: chrX-53619399-A-T.
Other names: short protein forms S1311T.
Identifiers: ClinVar variation 1304418 (VCV001304418.2), dbSNP rs1348518337, ClinGen allele CA413177540.